The following is an entry in ClinVar:

NM_004859.4(CLTC):c.2269G>T (p.Glu757Ter)

Gene: CLTC (clathrin heavy chain; plus strand). Cytogenetic location: 17q23.1.
Variant type: single nucleotide variant.
Coding change: c.2269G>T on transcript NM_004859.4 (MANE Select); coding-DNA position 2269, G replaced by T.
Protein change: p.Glu757Ter; replaces glutamic acid 757 with a stop codon.
Molecular consequence: nonsense.
Genome position (GRCh38, 1-based): chr17:59,668,917, G>T. VCF-style: chr17-59668917-G-T. GRCh37 (hg19) VCF-style: chr17-57746278-G-T.
Other names: c.2281G>T, p.Glu761Ter (NM_001288653.2); short protein forms E757*, E761*.
Identifiers: ClinVar variation 4535266 (VCV004535266.6).

ClinVar aggregate classification (germline): Pathogenic (1 of 4 stars; one submission).

Submission:

CeGaT Center for Human Genetics Tuebingen
Classification: Pathogenic. Last evaluated: 2026-01-01. Review status: criteria provided, single submitter. Criteria: CeGaT Center For Human Genetics Tuebingen Variant Classification Criteria Version 2. Collection method: clinical testing. Allele origin: germline. Affected: yes. Observed: 2 variant alleles.
Comment: CLTC: PVS1, PM2